The following is an entry in ClinVar:

ClinVar aggregate classification (germline): Likely pathogenic (1 of 4 stars; one submission).

Conditions:
Primary ciliary dyskinesia. Also called: Ciliary dyskinesia. Identifiers: Orphanet 244, MedGen C0008780, MONDO:0016575, HP:0012265.

Submission:

Natera, Inc.
Classification: Likely pathogenic for Primary ciliary dyskinesia. Last evaluated: 2025-07-31. Review status: criteria provided, single submitter. Criteria: Natera Variant Classification Schema (03/2026). Collection method: clinical testing. Allele origin: germline.
Comment: The c.2001+2T>G variant in DNAI1 is a canonical splice donor site variant predicted to affect pre-mRNA splicing, which may result in an abnormal transcript and altered protein product. This variant may result in a truncated or dysfunctional protein product. This variant is rare in the general population with a frequency below the threshold expected for the associated phenotype(s). Another variant at this same site results in an alteration predicted to cause a similar molecular effect has been observed in individual(s) with the associated phenotype. Given the available evidence, this variant is classified as Likely Pathogenic.

NM_012144.4(DNAI1):c.2001+2T>G

Gene: DNAI1 (dynein axonemal intermediate chain 1; plus strand). Cytogenetic location: 9p13.3.
Variant type: single nucleotide variant.
Coding change: c.2001+2T>G on transcript NM_012144.4 (MANE Select); the canonical splice donor site of the intron after coding-DNA position 2001, T replaced by G.
Molecular consequence: splice donor variant.
Genome position (GRCh38, 1-based): chr9:34,517,469, T>G. VCF-style: chr9-34517469-T-G. GRCh37 (hg19) VCF-style: chr9-34517467-T-G.
Other names: c.2013+2T>G (NM_001281428.2).
Identifiers: ClinVar variation 4815543 (VCV004815543.1).